The following is an entry in ClinVar:

NM_130384.3(ATRIP):c.2180T>C (p.Leu727Pro)

Genes: ATRIP (ATR interacting protein; plus strand), ATRIP-TREX1 (ATRIP-TREX1 readthrough; plus strand). Cytogenetic location: 3p21.31.
Variant type: single nucleotide variant.
Coding change: c.2180T>C on transcript NM_130384.3 (MANE Select); coding-DNA position 2180, T replaced by C.
Protein change: p.Leu727Pro; replaces leucine 727 with proline.
Molecular consequence: missense variant. On other transcripts: non-coding transcript variant (1).
Genome position (GRCh38, 1-based): chr3:48,464,955, T>C. VCF-style: chr3-48464955-T-C. GRCh37 (hg19) VCF-style: chr3-48506354-T-C.
Other names: c.1799T>C, p.Leu600Pro (NM_001271022.2); c.1901T>C, p.Leu634Pro (NM_001271023.2); c.2099T>C, p.Leu700Pro (NM_032166.4); short protein forms L634P, L700P, L727P, L600P.
Identifiers: ClinVar variation 5032407 (VCV005032407.1).

ClinVar aggregate classification (germline): Uncertain significance (1 of 4 stars; one submission).

Submission:

Ambry Genetics
Classification: Uncertain significance. Last evaluated: 2026-06-22. Review status: criteria provided, single submitter. Criteria: Ambry Variant Classification Scheme 2023. Collection method: clinical testing. Allele origin: germline.
Comment: The p.L727P variant (also known as c.2180T>C), located in coding exon 12 of the ATRIP gene, results from a T to C substitution at nucleotide position 2180. The leucine at codon 727 is replaced by proline, an amino acid with similar properties. This amino acid position is conserved. In addition, this alteration is predicted to be deleterious by in silico analysis. Based on the available evidence, the clinical significance of this variant remains unclear.